The following is an entry in ClinVar:

NM_005633.4(SOS1):c.2673+5G>A

Gene: SOS1 (SOS Ras/Rac guanine nucleotide exchange factor 1; minus strand). Cytogenetic location: 2p22.1.
Variant type: single nucleotide variant.
Coding change: c.2673+5G>A on transcript NM_005633.4 (MANE Select); 5 bases into the intron after coding-DNA position 2673, G replaced by A.
Molecular consequence: intron variant.
Genome position (GRCh38, 1-based): chr2:39,007,026, C>T on the plus strand (G>A on the coding strand, the complement: SOS1 is on the minus strand). VCF-style: chr2-39007026-C-T. GRCh37 (hg19) VCF-style: chr2-39234167-C-T.
Other names: c.2652+5G>A (NM_001382394.1); c.2673+5G>A (NM_001382395.1).
Identifiers: ClinVar variation 3658092 (VCV003658092.2).

ClinVar aggregate classification (germline): Uncertain significance (1 of 4 stars; one submission).

Conditions:
RASopathy. Also called: rasopathies; Noonan spectrum disorder. Identifiers: Orphanet 536391, MedGen C5555857, MONDO:0021060.

Submission:

Labcorp Genetics (formerly Invitae), Labcorp
Classification: Uncertain significance for RASopathy. Last evaluated: 2024-06-28. Review status: criteria provided, single submitter. Criteria: Invitae Variant Classification Sherloc (09022015). Collection method: clinical testing. Allele origin: germline.
Comment: This sequence change falls in intron 16 of the SOS1 gene. It does not directly change the encoded amino acid sequence of the SOS1 protein. It affects a nucleotide within the consensus splice site. This variant is not present in population databases (gnomAD no frequency). This variant has not been reported in the literature in individuals affected with SOS1-related conditions. Variants that disrupt the consensus splice site are a relatively common cause of aberrant splicing (PMID: 17576681, 9536098). Algorithms developed to predict the effect of sequence changes on RNA splicing suggest that this variant is not likely to affect RNA splicing. In summary, the available evidence is currently insufficient to determine the role of this variant in disease. Therefore, it has been classified as a Variant of Uncertain Significance.

Literature cited by the submitters: PubMed 17576681; PubMed 9536098.